The following is an entry in ClinVar:

NM_013432.5(TONSL):c.1765_1768del (p.Asp589fs)

Genes: TONSL (tonsoku like, DNA repair protein; minus strand), TONSL-AS1 (TONSL antisense RNA 1; plus strand). Cytogenetic location: 8q24.3.
Variant type: Deletion.
Coding change: c.1765_1768del on transcript NM_013432.5 (MANE Select); coding-DNA positions 1765 to 1768, 4 bases deleted (GACG; older notation c.1765_1768delGACG).
Protein change: p.Asp589fs; shifts the reading frame from aspartic acid 589.
Molecular consequence: frameshift variant. On other transcripts: non-coding transcript variant (1).
Genome position (GRCh38, 1-based): chr8:144,436,879-144,436,882, CGTC deleted on the plus strand (GACG on the coding strand, the reverse complement: TONSL is on the minus strand); deleting any 4 consecutive bases within chr8:144,436,879-144,436,883 gives the same sequence; the c. name uses the placement nearest the transcript's 3' end. VCF-style (leftmost placement, unchanged base first): chr8-144436878-TCGTC-T. GRCh37 (hg19) VCF-style: chr8-145662261-TCGTC-T.
Other names: short protein forms D589fs.
Identifiers: ClinVar variation 3692645 (VCV003692645.2).
Genomic context (GRCh38, chr8:144,436,878, plus strand): 5'-TGGCCACAGTTGAGGGCATCGTGGAGGGGGGTGATGCCTTCGCAGCCCTGGCCACCTGGG[TCGTC>T]CACTGCGGCCCCGTGGTCCAGCAGGAAGCGGACAATTTCTGCAGACCAGGAGACGTAAGC-3'

ClinVar aggregate classification (germline): Pathogenic (1 of 4 stars; one submission).

Submission:

Labcorp Genetics (formerly Invitae), Labcorp
Classification: Pathogenic. Last evaluated: 2024-03-31. Review status: criteria provided, single submitter. Criteria: Invitae Variant Classification Sherloc (09022015). Collection method: clinical testing. Allele origin: germline.
Comment: This sequence change creates a premature translational stop signal (p.Asp589Thrfs*53) in the TONSL gene. It is expected to result in an absent or disrupted protein product. Loss-of-function variants in TONSL are known to be pathogenic (PMID: 30773277). This variant is not present in population databases (gnomAD no frequency). This variant has not been reported in the literature in individuals affected with TONSL-related conditions. For these reasons, this variant has been classified as Pathogenic.

Literature cited by the submitters: PubMed 30773277.